The following is an entry in ClinVar:

ClinVar aggregate classification (germline): Likely benign (1 of 4 stars; one submission).

Conditions:
Parietal foramina 2 (PFM2). Identifiers: Orphanet 60015, MedGen C1865044, MONDO:0012309, OMIM 609597.

Allele frequency attached by ClinVar (database versions not stated): 1000 Genomes Project 0.00100; 1000 Genomes Project 30x 0.00109; TOPMed 0.00212.

Submission:

Illumina Laboratory Services, Illumina
Classification: Likely benign for Parietal foramina 2. Last evaluated: 2018-01-13. Review status: criteria provided, single submitter. Criteria: ICSL Variant Classification Criteria 13 December 2019. Collection method: clinical testing. Allele origin: germline.
Comment: This variant was observed in the ICSL laboratory as part of a predisposition screen in an ostensibly healthy population. It had not been previously curated by ICSL or reported in the Human Gene Mutation Database (HGMD: prior to June 1st, 2018), and was therefore a candidate for classification through an automated scoring system. Utilizing variant allele frequency, disease prevalence and penetrance estimates, and inheritance mode, an automated score was calculated to assess if this variant is too frequent to cause the disease. Based on the score and internal cut-off values, a variant classified as likely benign is not then subjected to further curation. The score for this variant resulted in a classification of likely benign for this disease.

NM_021926.4(ALX4):c.*2861C>A

Gene: ALX4 (ALX homeobox 4; minus strand). Cytogenetic location: 11p11.2.
Variant type: single nucleotide variant.
Coding change: c.*2861C>A on transcript NM_021926.4 (MANE Select); 2861 bases downstream of the stop codon, C replaced by A.
Molecular consequence: 3 prime UTR variant.
Genome position (GRCh38, 1-based): chr11:44,261,993, G>T on the plus strand (C>A on the coding strand, the complement: ALX4 is on the minus strand). VCF-style: chr11-44261993-G-T. GRCh37 (hg19) VCF-style: chr11-44283543-G-T.
Identifiers: ClinVar variation 877312 (VCV000877312.4), dbSNP rs192487688, ClinGen allele CA221484522.